The following is an entry in ClinVar:

NM_018249.6(CDK5RAP2):c.4297+5G>A

Gene: CDK5RAP2 (CDK5 regulatory subunit associated protein 2; minus strand). Cytogenetic location: 9q33.2.
Variant type: single nucleotide variant.
Coding change: c.4297+5G>A on transcript NM_018249.6 (MANE Select); 5 bases into the intron after coding-DNA position 4297, G replaced by A.
Molecular consequence: intron variant.
Genome position (GRCh38, 1-based): chr9:120,415,035, C>T on the plus strand (G>A on the coding strand, the complement: CDK5RAP2 is on the minus strand). VCF-style: chr9-120415035-C-T. GRCh37 (hg19) VCF-style: chr9-123177313-C-T.
Other names: c.3607+5G>A (NM_001272039.2); c.4297+5G>A (NM_001011649.3).
Identifiers: ClinVar variation 1301369 (VCV001301369.23), dbSNP rs201798027, ClinGen allele CA5213610.

ClinVar aggregate classification (germline): Uncertain significance. Review status: criteria provided, multiple submitters, no conflicts (2 of 4 stars). 2 submissions from 2 submitters: Uncertain significance (2). Last evaluated 2023-12-01.

Allele frequency attached by ClinVar (database versions not stated): gnomAD exomes 0.00001 and 0.00005; ExAC 0.00007; TOPMed 0.00013; ESP Exome Variant Server 0.00015; gnomAD 0.00019 and 0.00020; 1000 Genomes Project 30x 0.00047; 1000 Genomes Project 0.00060.
gnomAD v4.1: 41 of 1,614,128 alleles (0.0025%); highest among the groups gnomAD compares: African/African-American, 0.053%; no homozygotes.

Submissions (2):

CeGaT Center for Human Genetics Tuebingen
Classification: Uncertain significance. Last evaluated: 2023-12-01. Review status: criteria provided, single submitter. Criteria: CeGaT Center For Human Genetics Tuebingen Variant Classification Criteria Version 2. Collection method: clinical testing. Allele origin: germline. Affected: yes. Observed: 1 variant allele.
Comment: CDK5RAP2: PM2, BP4

Women's Health and Genetics/Laboratory Corporation of America, LabCorp
Classification: Uncertain significance. Last evaluated: 2021-09-28. Review status: criteria provided, single submitter. Criteria: LabCorp Variant Classification Summary - May 2015. Collection method: clinical testing. Allele origin: germline.
Comment: Variant summary: CDK5RAP2 c.4297+5G>A alters a conserved nucleotide located close to a canonical splice site and therefore could affect mRNA splicing, leading to a significantly altered protein sequence. 4/4 computational tools predict no significant impact on normal splicing. However, these predictions have yet to be confirmed by functional studies. The variant allele was found at a frequency of 4.8e-05 in 251448 control chromosomes. To our knowledge, no occurrence of c.4297+5G>A in individuals affected with Primary Autosomal Recessive Microcephaly 3 and no experimental evidence demonstrating its impact on protein function have been reported. No clinical diagnostic laboratories have submitted clinical-significance assessments for this variant to ClinVar after 2014. Based on the evidence outlined above, the variant was classified as uncertain significance.